The following is an entry in ClinVar:

NM_017780.4(CHD7):c.2238+6A>G

Gene: CHD7 (chromodomain helicase DNA binding protein 7; plus strand). Cytogenetic location: 8q12.2.
Variant type: single nucleotide variant.
Coding change: c.2238+6A>G on transcript NM_017780.4 (MANE Select); 6 bases into the intron after coding-DNA position 2238, A replaced by G.
Molecular consequence: intron variant.
Genome position (GRCh38, 1-based): chr8:60,795,133, A>G. VCF-style: chr8-60795133-A-G. GRCh37 (hg19) VCF-style: chr8-61707692-A-G.
Other names: c.1716+14083A>G (NM_001316690.1).
Identifiers: ClinVar variation 281648 (VCV000281648.7), dbSNP rs886042205, ClinGen allele CA10603935.

ClinVar aggregate classification (germline): Uncertain significance. Review status: criteria provided, multiple submitters, no conflicts (2 of 4 stars). 2 submissions from 2 submitters: Uncertain significance (2). Last evaluated 2025-01-30.

Conditions:
CHARGE syndrome (CHARGE). Also called: Hittner Hirsch Kreh syndrome; Coloboma, heart anomaly, choanal atresia, retardation, genital and ear anomalies; CHARGE association; Hall-Hittner syndrome; CHARGE ASSOCIATION--COLOBOMA, HEART ANOMALY, CHOANAL ATRESIA, RETARDATION, GENITAL AND EAR ANOMALIES. Identifiers: Orphanet 138, MedGen C0265354, MONDO:0008965.

Allele frequency attached by ClinVar (database versions not stated): gnomAD exomes below 0.00001; TOPMed below 0.00001; gnomAD 0.00001.
gnomAD v4.1: 2 of 1,609,094 alleles (0.00012%); highest among the groups gnomAD compares: African/African-American, 0.0027%; no homozygotes.

Submissions (2):

Labcorp Genetics (formerly Invitae), Labcorp
Classification: Uncertain significance for CHARGE syndrome. Last evaluated: 2025-01-30. Review status: criteria provided, single submitter. Criteria: Invitae Variant Classification Sherloc (09022015). Collection method: clinical testing. Allele origin: germline.
Comment: This sequence change falls in intron 4 of the CHD7 gene. It does not directly change the encoded amino acid sequence of the CHD7 protein. It affects a nucleotide within the consensus splice site. This variant is not present in population databases (gnomAD no frequency). This variant has not been reported in the literature in individuals affected with CHD7-related conditions. ClinVar contains an entry for this variant (Variation ID: 281648). Variants that disrupt the consensus splice site are a relatively common cause of aberrant splicing (PMID: 17576681, 9536098). Algorithms developed to predict the effect of sequence changes on RNA splicing suggest that this variant is not likely to affect RNA splicing. In summary, the available evidence is currently insufficient to determine the role of this variant in disease. Therefore, it has been classified as a Variant of Uncertain Significance.

Eurofins Ntd Llc (ga)
Classification: Uncertain significance. Last evaluated: 2015-07-08. Review status: criteria provided, single submitter. Criteria: EGL Classification Definitions 2015. Collection method: clinical testing. Allele origin: germline. Observed: 1 variant allele, 1 heterozygote.

Literature cited by the submitters: PubMed 17576681 (cited by Labcorp Genetics (formerly Invitae), Labcorp); PubMed 9536098 (cited by Labcorp Genetics (formerly Invitae), Labcorp).